The following is an entry in ClinVar:

NM_015450.3(POT1):c.342C>G (p.Ile114Met)

Gene: POT1 (protection of telomeres 1; minus strand). Cytogenetic location: 7q31.33.
Variant type: single nucleotide variant.
Coding change: c.342C>G on transcript NM_015450.3 (MANE Select); coding-DNA position 342, C replaced by G.
Protein change: p.Ile114Met; replaces isoleucine 114 with methionine.
Molecular consequence: missense variant. On other transcripts: 5 prime UTR variant (1), non-coding transcript variant (3).
Genome position (GRCh38, 1-based): chr7:124,863,554, G>C on the plus strand (C>G on the coding strand, the complement: POT1 is on the minus strand). VCF-style: chr7-124863554-G-C. GRCh37 (hg19) VCF-style: chr7-124503608-G-C.
Other names: c.-52C>G (NM_001042594.2); short protein forms I114M.
Identifiers: ClinVar variation 1045768 (VCV001045768.13), dbSNP rs989904335, ClinGen allele CA166074219.
Genomic context (GRCh38, chr7:124,863,554, plus strand): 5'-TTCTACCATTTTGTGGTCCTCAGTAGTGAAGTTAAAATACTTGCTTGAAGTGCGAGGTAT[G>C]ATAGGGGCTCCCAAAGTTCCCTCAAACGTCAAAGATGCAAAGCCAGAGCTGGTGATACCC-3'
Protein context (NP_056265.2, residues 104-124): LTFEGTLGAP[Ile114Met]IPRTSSKYFN

ClinVar aggregate classification (germline): Uncertain significance. Review status: criteria provided, multiple submitters, no conflicts (2 of 4 stars). 4 submissions from 4 submitters: Uncertain significance (4). Last evaluated 2025-08-04.

Conditions:
Hereditary cancer-predisposing syndrome. Also called: Hereditary Cancer Syndrome; Tumor predisposition; Hereditary neoplastic syndrome; Neoplastic Syndromes, Hereditary. Identifiers: Orphanet 140162, MedGen C0027672, MeSH D009386, MONDO:0015356.
Tumor predisposition syndrome 3 (TPDS3). Also called: Glioma susceptibility 9; LONG TELOMERE SYNDROME, POT1-RELATED; POT1 Tumor Predisposition; Melanoma, cutaneous malignant, susceptibility to, 10. Identifiers: Orphanet 618, MedGen C4014476, MONDO:0014368, OMIM 615848.

Allele frequency attached by ClinVar (database versions not stated): TOPMed below 0.00001; gnomAD 0.00001.
gnomAD v4.1: 7 of 1,613,762 alleles (0.00043%); highest among the groups gnomAD compares: Non-Finnish European, 0.00059%; no homozygotes.

Submissions (4):

Ambry Genetics
Classification: Uncertain significance for Hereditary cancer-predisposing syndrome. Last evaluated: 2025-08-04. Review status: criteria provided, single submitter. Criteria: Ambry Variant Classification Scheme 2023. Collection method: clinical testing. Allele origin: germline.
Comment: The p.I114M variant (also known as c.342C>G), located in coding exon 4 of the POT1 gene, results from a C to G substitution at nucleotide position 342. The isoleucine at codon 114 is replaced by methionine, an amino acid with highly similar properties. This variant was described as a presumed germline finding in an individual diagnosed with chronic lymphocytic leukemia (Lim TL et al. Leukemia, 2022 Jan;36:283-287). This variant has been observed in at least one individual with a personal and/or family history that is consistent with POT1-related tumor predisposition syndrome (Ambry internal data). This amino acid position is poorly conserved in available vertebrate species. In addition, this alteration is predicted to be tolerated by in silico analysis. Based on the available evidence, the clinical significance of this variant remains unclear.

Labcorp Genetics (formerly Invitae), Labcorp
Classification: Uncertain significance for Tumor predisposition syndrome 3. Last evaluated: 2025-01-28. Review status: criteria provided, single submitter. Criteria: Invitae Variant Classification Sherloc (09022015). Collection method: clinical testing. Allele origin: germline.
Comment: This sequence change replaces isoleucine, which is neutral and non-polar, with methionine, which is neutral and non-polar, at codon 114 of the POT1 protein (p.Ile114Met). This variant is not present in population databases (gnomAD no frequency). This missense change has been observed in individual(s) with chronic lymphocytic leukemia (PMID: 34193977). ClinVar contains an entry for this variant (Variation ID: 1045768). Invitae Evidence Modeling of protein sequence and biophysical properties (such as structural, functional, and spatial information, amino acid conservation, physicochemical variation, residue mobility, and thermodynamic stability) indicates that this missense variant is not expected to disrupt POT1 protein function with a negative predictive value of 80%. In summary, the available evidence is currently insufficient to determine the role of this variant in disease. Therefore, it has been classified as a Variant of Uncertain Significance.

Blueprint Genetics
Classification: Uncertain significance. Last evaluated: 2023-11-27. Review status: criteria provided, single submitter. Criteria: ACMG Guidelines, 2015. Collection method: clinical testing. Allele origin: germline.

GeneDx
Classification: Uncertain significance. Last evaluated: 2020-02-18. Review status: criteria provided, single submitter. Criteria: GeneDx Variant Classification Process June 2021. Collection method: clinical testing. Allele origin: germline. Affected: yes.
Comment: Not observed in large population cohorts (Lek 2016); In silico analysis supports that this missense variant does not alter protein structure/function; Has not been previously published as pathogenic or benign to our knowledge

Literature cited by the submitters: PubMed 34193977 (cited by Ambry Genetics and Labcorp Genetics (formerly Invitae), Labcorp); PubMed 36539277 (cited by Ambry Genetics).